The following is an entry in ClinVar:

ClinVar aggregate classification (germline): Uncertain significance (1 of 4 stars; one submission).

Conditions:
Familial intrahepatic cholestasis. Identifiers: Orphanet 284385, MedGen CN296401, MONDO:0017290.

Submission:

Genomenon, Inc
Classification: Uncertain significance for Familial intrahepatic cholestasis. Last evaluated: 2026-04-14. Review status: criteria provided, single submitter. Criteria: Genomenon Sequence Variant Interpretation Standards - Updated. Collection method: curation. Allele origin: germline. Affected: yes.
Comment: ABCB11 p.Ala623Glu (c.1868C>A) is a missense variant that changes the amino acid at residue 623 from Alanine to Glutamic acid. This variant has been observed in at least one proband with an ABCB11-related disorder (PMID:32087350). It is absent or not present at a significant frequency in gnomAD. In silico models predict that this variant is possibly or probably damaging. In conclusion, we classify ABCB11 p.Ala623Glu (c.1868C>A) as a variant of uncertain significance.

Literature cited by the submitters: PubMed 32087350.

NM_003742.4(ABCB11):c.1868C>A (p.Ala623Glu)

Gene: ABCB11 (ATP binding cassette subfamily B member 11; minus strand). Cytogenetic location: 2q31.1.
Variant type: single nucleotide variant.
Coding change: c.1868C>A on transcript NM_003742.4 (MANE Select); coding-DNA position 1868, C replaced by A.
Protein change: p.Ala623Glu; replaces alanine 623 with glutamic acid.
Molecular consequence: missense variant.
Genome position (GRCh38, 1-based): chr2:168,969,493, G>T on the plus strand (C>A on the coding strand, the complement: ABCB11 is on the minus strand). VCF-style: chr2-168969493-G-T. GRCh37 (hg19) VCF-style: chr2-169826003-G-T.
Other names: short protein forms A623E.
Identifiers: ClinVar variation 4845948 (VCV004845948.1).